The following is an entry in ClinVar:

ClinVar aggregate classification (germline): Uncertain significance. Review status: criteria provided, multiple submitters, no conflicts (2 of 4 stars). 2 submissions from 2 submitters: Uncertain significance (2). Last evaluated 2025-08-25.

Conditions:
Inborn genetic diseases. Identifiers: MedGen C0950123, MeSH D030342.
LAMA2-related muscular dystrophy (LAMA2-RD). Also called: Laminin alpha 2-related dystrophy. Identifiers: MedGen C5679788, MONDO:0100228.

Allele frequency attached by ClinVar (database versions not stated): gnomAD exomes 0.00001 and 0.00004; TOPMed 0.00003; gnomAD 0.00001; ExAC 0.00002.
gnomAD v4.1: 53 of 1,613,508 alleles (0.0033%); highest among the groups gnomAD compares: Non-Finnish European, 0.0045%; no homozygotes.

Submissions (2):

Ambry Genetics
Classification: Uncertain significance for Inborn genetic diseases. Last evaluated: 2025-08-25. Review status: criteria provided, single submitter. Criteria: Ambry Variant Classification Scheme 2023. Collection method: clinical testing. Allele origin: germline.

Labcorp Genetics (formerly Invitae), Labcorp
Classification: Uncertain significance for LAMA2-related muscular dystrophy. Last evaluated: 2022-07-05. Review status: criteria provided, single submitter. Criteria: Invitae Variant Classification Sherloc (09022015). Collection method: clinical testing. Allele origin: germline.
Comment: This sequence change replaces aspartic acid, which is acidic and polar, with asparagine, which is neutral and polar, at codon 1024 of the LAMA2 protein (p.Asp1024Asn). This variant is present in population databases (rs779130638, gnomAD 0.004%). This variant has not been reported in the literature in individuals affected with LAMA2-related conditions. ClinVar contains an entry for this variant (Variation ID: 655074). Advanced modeling of protein sequence and biophysical properties (such as structural, functional, and spatial information, amino acid conservation, physicochemical variation, residue mobility, and thermodynamic stability) performed at Invitae indicates that this missense variant is not expected to disrupt LAMA2 protein function. In summary, the available evidence is currently insufficient to determine the role of this variant in disease. Therefore, it has been classified as a Variant of Uncertain Significance.

NM_000426.4(LAMA2):c.3070G>A (p.Asp1024Asn)

Gene: LAMA2 (laminin subunit alpha 2; plus strand). Cytogenetic location: 6q22.33.
Variant type: single nucleotide variant.
Coding change: c.3070G>A on transcript NM_000426.4 (MANE Select); coding-DNA position 3070, G replaced by A.
Protein change: p.Asp1024Asn; replaces aspartic acid 1024 with asparagine.
Molecular consequence: missense variant.
Genome position (GRCh38, 1-based): chr6:129,300,768, G>A. VCF-style: chr6-129300768-G-A. GRCh37 (hg19) VCF-style: chr6-129621913-G-A.
Other names: c.3070G>A, p.Asp1024Asn (NM_001079823.2); short protein forms D1024N.
Identifiers: ClinVar variation 655074 (VCV000655074.4), dbSNP rs779130638, ClinGen allele CA3993161.
Genomic context (GRCh38, chr6:129,300,768, plus strand): 5'-CTTTGTTTTCCCTCTTATACCGGTGAAGCTTGTGAATGTTCTCATCTGGGTAATAATTGT[G>A]ACCCAAAGACTGGGCGATGCATTTGCCCTCCCAATACCATTGGAGAGAAATGTTCTAAAT-3'
Protein context (NP_000417.3, residues 1014-1034): CECSHLGNNC[Asp1024Asn]PKTGRCICPP